The following is an entry in ClinVar:

ClinVar aggregate classification (germline): Conflicting classifications of pathogenicity. Review status: criteria provided, conflicting classifications (1 of 4 stars). 3 submissions from 3 submitters: Uncertain significance (2); Likely benign (1). Last evaluated 2026-06-16.

Conditions:
TTN-related disorder. Also called: TTN-related condition; TTN-related disease; TTN-related disorders.

Allele frequency attached by ClinVar (database versions not stated): gnomAD exomes below 0.00001; ExAC 0.00001; gnomAD 0.00003 and 0.00004; TOPMed 0.00004; ESP Exome Variant Server 0.00008.
gnomAD v4.1: 7 of 1,608,938 alleles (0.00044%); highest among the groups gnomAD compares: African/African-American, 0.0094%; no homozygotes.

Submissions (3):

PreventionGenetics, part of Exact Sciences
Classification: Uncertain significance for TTN-related condition. Last evaluated: 2026-06-16. Review status: criteria provided, single submitter. Criteria: ACMG Guidelines, 2015. Collection method: clinical testing. Allele origin: germline.
Comment: The TTN c.57594T>A variant is predicted to result in the amino acid substitution p.Asn19198Lys. To our knowledge, this variant has not been reported in the literature. This variant is reported in 0.0085% of alleles in individuals of African descent in gnomAD. At this time, the clinical significance of this variant is uncertain due to the absence of conclusive functional and genetic evidence.

Revvity Omics, Revvity
Classification: Uncertain significance. Last evaluated: 2024-05-28. Review status: criteria provided, single submitter. Criteria: ACMG Guidelines, 2015. Collection method: clinical testing. Allele origin: germline.

GeneDx
Classification: Likely benign. Last evaluated: 2018-02-13. Review status: criteria provided, single submitter. Criteria: GeneDx Variant Classification (06012015). Collection method: clinical testing. Allele origin: germline. Affected: yes.
Comment: This variant is considered likely benign or benign based on one or more of the following criteria: it is a conservative change, it occurs at a poorly conserved position in the protein, it is predicted to be benign by multiple in silico algorithms, and/or has population frequency not consistent with disease.

NM_001267550.2(TTN):c.57594T>A (p.Asn19198Lys)

Genes: TTN (titin; minus strand), TTN-AS1 (TTN antisense RNA 1; plus strand). Cytogenetic location: 2q31.2.
Variant type: single nucleotide variant.
Coding change: c.57594T>A on transcript NM_001267550.2 (MANE Select); coding-DNA position 57594, T replaced by A.
Protein change: p.Asn19198Lys; replaces asparagine 19198 with lysine.
Molecular consequence: missense variant.
Genome position (GRCh38, 1-based): chr2:178,595,760, A>T on the plus strand (T>A on the coding strand, the complement: TTN is on the minus strand). VCF-style: chr2-178595760-A-T. GRCh37 (hg19) VCF-style: chr2-179460487-A-T.
Other names: c.52671T>A, p.Asn17557Lys (NM_001256850.1); c.30399T>A, p.Asn10133Lys (NM_003319.4); c.49890T>A, p.Asn16630Lys (NM_133378.4); c.30774T>A, p.Asn10258Lys (NM_133432.3); c.30975T>A, p.Asn10325Lys (NM_133437.4); short protein forms N17557K, N19198K, N10133K, N10258K, N16630K, N10325K.
Identifiers: ClinVar variation 516952 (VCV000516952.3), dbSNP rs367606284, ClinGen allele CA1993018.